The following is an entry in ClinVar:

NM_001018111.3(PODXL):c.686C>T (p.Pro229Leu)

Gene: PODXL (podocalyxin like; minus strand). Cytogenetic location: 7q32.3.
Variant type: single nucleotide variant.
Coding change: c.686C>T on transcript NM_001018111.3 (MANE Select); coding-DNA position 686, C replaced by T.
Protein change: p.Pro229Leu; replaces proline 229 with leucine.
Molecular consequence: missense variant.
Genome position (GRCh38, 1-based): chr7:131,510,848, G>A on the plus strand (C>T on the coding strand, the complement: PODXL is on the minus strand). VCF-style: chr7-131510848-G-A. GRCh37 (hg19) VCF-style: chr7-131195607-G-A.
Other names: c.686C>T, p.Pro229Leu (NM_005397.4); short protein forms P229L.
Identifiers: ClinVar variation 1981345 (VCV001981345.6), dbSNP rs188826867, ClinGen allele CA4488649.
Genomic context (GRCh38, chr7:131,510,848, plus strand): 5'-AAAGTTTCTTGGTGCTTGAAGAAAACCAGGCATTACTTACGTAGGGTGGTGGTCATCCCC[G>A]GGCTTGTGAAGGTGTAGCCAGGGATAGCCACAGTGCTTGAACTGCTTGAAATTTTCATAA-3'
Protein context (NP_001018121.1, residues 219-239): VAIPGYTFTS[Pro229Leu]GMTTTLLETV

ClinVar aggregate classification (germline): Uncertain significance. Review status: criteria provided, multiple submitters, no conflicts (2 of 4 stars). 2 submissions from 2 submitters: Uncertain significance (2). Last evaluated 2025-08-11.

Conditions:
Inborn genetic diseases. Identifiers: MedGen C0950123, MeSH D030342.

Allele frequency attached by ClinVar (database versions not stated): ExAC 0.00003; gnomAD 0.00007; TOPMed 0.00008; ESP Exome Variant Server 0.00015.
gnomAD v4.1: 124 of 1,613,990 alleles (0.0077%); highest among the groups gnomAD compares: African/African-American, 0.02%; no homozygotes.

Submissions (2):

Ambry Genetics
Classification: Uncertain significance for Inborn genetic diseases. Last evaluated: 2025-08-11. Review status: criteria provided, single submitter. Criteria: Ambry Variant Classification Scheme 2023. Collection method: clinical testing. Allele origin: germline.

Labcorp Genetics (formerly Invitae), Labcorp
Classification: Uncertain significance. Last evaluated: 2022-06-19. Review status: criteria provided, single submitter. Criteria: Invitae Variant Classification Sherloc (09022015). Collection method: clinical testing. Allele origin: germline.
Comment: In summary, the available evidence is currently insufficient to determine the role of this variant in disease. Therefore, it has been classified as a Variant of Uncertain Significance. Algorithms developed to predict the effect of missense changes on protein structure and function output the following: SIFT: "Deleterious"; PolyPhen-2: "Benign"; Align-GVGD: "Class C0". The leucine amino acid residue is found in multiple mammalian species, which suggests that this missense change does not adversely affect protein function. This variant has not been reported in the literature in individuals affected with PODXL-related conditions. This variant is present in population databases (rs188826867, gnomAD 0.03%). This sequence change replaces proline, which is neutral and non-polar, with leucine, which is neutral and non-polar, at codon 229 of the PODXL protein (p.Pro229Leu).